The following is an entry in ClinVar:

ClinVar aggregate classification (germline): Uncertain significance (1 of 4 stars; one submission).

Allele frequency attached by ClinVar (database versions not stated): ExAC 0.00004; gnomAD exomes 0.00004; ESP Exome Variant Server 0.00008; gnomAD 0.00013; TOPMed 0.00015; 1000 Genomes Project 0.00020; 1000 Genomes Project 30x 0.00031.
gnomAD v4.1: 84 of 1,613,362 alleles (0.0052%); highest among the groups gnomAD compares: African/African-American, 0.051%; no homozygotes.

Submission:

Labcorp Genetics (formerly Invitae), Labcorp
Classification: Uncertain significance. Last evaluated: 2025-03-27. Review status: criteria provided, single submitter. Criteria: Invitae Variant Classification Sherloc (09022015). Collection method: clinical testing. Allele origin: germline.
Comment: This sequence change replaces threonine, which is neutral and polar, with alanine, which is neutral and non-polar, at codon 823 of the HMCN1 protein (p.Thr823Ala). This variant is present in population databases (rs374094740, gnomAD 0.05%). This variant has not been reported in the literature in individuals affected with HMCN1-related conditions. ClinVar contains an entry for this variant (Variation ID: 2200008). An algorithm developed to predict the effect of missense changes on protein structure and function (PolyPhen-2) suggests that this variant is likely to be tolerated. In summary, the available evidence is currently insufficient to determine the role of this variant in disease. Therefore, it has been classified as a Variant of Uncertain Significance.

NM_031935.3(HMCN1):c.2467A>G (p.Thr823Ala)

Gene: HMCN1 (hemicentin 1; plus strand). Cytogenetic location: 1q31.1.
Variant type: single nucleotide variant.
Coding change: c.2467A>G on transcript NM_031935.3 (MANE Select); coding-DNA position 2467, A replaced by G.
Protein change: p.Thr823Ala; replaces threonine 823 with alanine.
Molecular consequence: missense variant.
Genome position (GRCh38, 1-based): chr1:185,977,882, A>G. VCF-style: chr1-185977882-A-G. GRCh37 (hg19) VCF-style: chr1-185947014-A-G.
Other names: short protein forms T823A.
Identifiers: ClinVar variation 2200008 (VCV002200008.4), dbSNP rs374094740, ClinGen allele CA1291408.